The following is an entry in ClinVar:

ClinVar aggregate classification (germline): Uncertain significance. Review status: criteria provided, multiple submitters, no conflicts (2 of 4 stars). 2 submissions from 2 submitters: Uncertain significance (2). Last evaluated 2025-02-18.

Conditions:
Inborn genetic diseases. Identifiers: MedGen C0950123, MeSH D030342.
Diabetes mellitus, transient neonatal, 1 (TNDM1). Also called: Diabetes Mellitus, 6q24-Related Transient Neonatal. Identifiers: Orphanet 99886, MedGen C1832386, MONDO:0011073, OMIM 601410.

gnomAD v4.1: 33 of 1,612,790 alleles (0.002%); highest among the groups gnomAD compares: African/African-American, 0.043%; no homozygotes.

Submissions (2):

Clinical Genomics Laboratory, Washington University in St. Louis
Classification: Uncertain significance for Diabetes mellitus, transient neonatal, 1. Last evaluated: 2025-02-18. Review status: criteria provided, single submitter. Criteria: ACMG Guidelines, 2015. Collection method: clinical testing. Allele origin: germline.
Comment: A ZFP57 c.991G>A (p.Glu331Lys) variant was identified in a heterozygous state. This variant, to our knowledge, has not been reported in the medical literature. This variant has been reported in the ClinVar database as a germline variant of uncertain significance by one submitter (ClinVar Variation ID: 3473390). It is observed on 13/275,854 alleles in the general population (gnomAD v2.1.1), indicating it is not a common variant. Computational predictors suggest that the variant does not impact ZFP57 function. Due to limited information, and based on the ACMG/AMP guidelines for variant interpretation (Richards S et al., PMID: 25741868), the clinical significance of the ZFP57 c.991G>A (p.Glu331Lys) variant is uncertain at this time.

Ambry Genetics
Classification: Uncertain significance for Inborn genetic diseases. Last evaluated: 2024-08-05. Review status: criteria provided, single submitter. Criteria: Ambry Variant Classification Scheme 2023. Collection method: clinical testing. Allele origin: germline.

NM_001109809.5(ZFP57):c.991G>A (p.Glu331Lys)

Gene: ZFP57 (ZFP57 zinc finger protein; minus strand). Cytogenetic location: 6p22.1.
Variant type: single nucleotide variant.
Coding change: c.991G>A on transcript NM_001109809.5 (MANE Select); coding-DNA position 991, G replaced by A.
Protein change: p.Glu331Lys; replaces glutamic acid 331 with lysine.
Molecular consequence: missense variant.
Genome position (GRCh38, 1-based): chr6:29,673,120, C>T on the plus strand (G>A on the coding strand, the complement: ZFP57 is on the minus strand). VCF-style: chr6-29673120-C-T. GRCh37 (hg19) VCF-style: chr6-29640897-C-T.
Other names: c.775G>A, p.Glu259Lys (NM_001366333.2); short protein forms E259K, E331K.
Identifiers: ClinVar variation 3473390 (VCV003473390.2).